The following is an entry in ClinVar:

NM_053025.4(MYLK):c.4991A>G (p.Asp1664Gly)

Genes: MYLK (myosin light chain kinase; minus strand), MYLK-AS1 (MYLK antisense RNA 1; plus strand), LOC126806791 (MED14-independent group 3 enhancer GRCh37_chr3:123347871-123349070; plus strand). Cytogenetic location: 3q21.1.
Variant type: single nucleotide variant.
Coding change: c.4991A>G on transcript NM_053025.4 (MANE Select); coding-DNA position 4991, A replaced by G.
Protein change: p.Asp1664Gly; replaces aspartic acid 1664 with glycine.
Molecular consequence: missense variant. On other transcripts: non-coding transcript variant (2), intron variant (2).
Genome position (GRCh38, 1-based): chr3:123,629,597, T>C on the plus strand (A>G on the coding strand, the complement: MYLK is on the minus strand). VCF-style: chr3-123629597-T-C. GRCh37 (hg19) VCF-style: chr3-123348444-T-C.
Other names: c.4463A>G, p.Asp1488Gly (NM_001321309.2); c.4784A>G, p.Asp1595Gly (NM_053026.4); c.4755-2656A>G (NM_053028.4); c.4962-2656A>G (NM_053027.4); short protein forms D1488G, D1595G, D1664G.
Identifiers: ClinVar variation 3228924 (VCV003228924.1), dbSNP rs2473059470, ClinGen allele CA354233374.

ClinVar aggregate classification (germline): Uncertain significance (1 of 4 stars; one submission).

Conditions:
Familial thoracic aortic aneurysm and aortic dissection (TAAD). Also called: Thoracic aortic aneurysms and dissections. Identifiers: Orphanet 91387, MedGen C4707243, MONDO:0019625.

Submission:

Ambry Genetics
Classification: Uncertain significance for Familial thoracic aortic aneurysm and aortic dissection. Last evaluated: 2023-12-12. Review status: criteria provided, single submitter. Criteria: Ambry Variant Classification Scheme 2023. Collection method: clinical testing. Allele origin: germline.
Comment: The p.D1664G variant (also known as c.4991A>G), located in coding exon 27 of the MYLK gene, results from an A to G substitution at nucleotide position 4991. The aspartic acid at codon 1664 is replaced by glycine, an amino acid with similar properties. This amino acid position is conserved. In addition, this alteration is predicted to be deleterious by in silico analysis. Since supporting evidence is limited at this time, the clinical significance of this alteration remains unclear.